The following is an entry in ClinVar:

ClinVar aggregate classification (germline): Uncertain significance (1 of 4 stars; one submission).

Conditions:
Hereditary cancer-predisposing syndrome. Also called: Hereditary Cancer Syndrome; Hereditary neoplastic syndrome; Neoplastic Syndromes, Hereditary; Tumor predisposition. Identifiers: Orphanet 140162, MedGen C0027672, MeSH D009386, MONDO:0015356.

Submission:

Sema4
Classification: Uncertain significance for Hereditary cancer-predisposing syndrome. Last evaluated: 2022-01-12. Review status: criteria provided, single submitter. Criteria: Sema4 Curation Guidelines. Collection method: curation. Allele origin: germline.
Comment: The ATM c.186-7C>G variant has not been reported in the literature to our knowledge. It was not observed in in the large and broad cohorts of the Genome Aggregation Database (PMID: 32461654), nor in ClinVar. In silico tools developed to predict the effect of sequence changes on RNA splicing do not suggest negative effect on normal splicing, though these predictions have not been confirmed by functional studies. The evidence is insufficient to meet ACMG/AMP criteria for classifying the variant as benign or pathogenic. Thus, the clinical significance of this variant is currently uncertain.

NM_000051.4(ATM):c.186-7C>G

Gene: ATM (ATM serine/threonine kinase; plus strand). Cytogenetic location: 11q22.3.
Variant type: single nucleotide variant.
Coding change: c.186-7C>G on transcript NM_000051.4 (MANE Select); 7 bases into the intron before coding-DNA position 186, C replaced by G.
Molecular consequence: intron variant.
Genome position (GRCh38, 1-based): chr11:108,229,171, C>G. VCF-style: chr11-108229171-C-G. GRCh37 (hg19) VCF-style: chr11-108099898-C-G.
Other names: c.186-7C>G (NM_001351834.2, NM_001351835.2, NM_001351836.2).
Identifiers: ClinVar variation 1692497 (VCV001692497.1), dbSNP rs55674039, ClinGen allele CA2573146445.